The following is an entry in ClinVar:

NM_001458.5(FLNC):c.1748C>T (p.Thr583Ile)

Gene: FLNC (filamin C; plus strand). Cytogenetic location: 7q32.1.
Variant type: single nucleotide variant.
Coding change: c.1748C>T on transcript NM_001458.5 (MANE Select); coding-DNA position 1748, C replaced by T.
Protein change: p.Thr583Ile; replaces threonine 583 with isoleucine.
Molecular consequence: missense variant.
Genome position (GRCh38, 1-based): chr7:128,840,905, C>T. VCF-style: chr7-128840905-C-T. GRCh37 (hg19) VCF-style: chr7-128480959-C-T.
Other names: c.1748C>T, p.Thr583Ile (NM_001127487.2); short protein forms T583I.
Identifiers: ClinVar variation 1490146 (VCV001490146.12), dbSNP rs2128935128, ClinGen allele CA369226991.

ClinVar aggregate classification (germline): Uncertain significance. Review status: criteria provided, multiple submitters, no conflicts (2 of 4 stars). 2 submissions from 2 submitters: Uncertain significance (2). Last evaluated 2025-09-15.

Conditions:
Myofibrillar myopathy 5. Also called: FILAMINOPATHY, AUTOSOMAL DOMINANT; Filaminopathy (type). Identifiers: Orphanet 171445, MedGen C1836050, MONDO:0012289, OMIM 609524.
Distal myopathy with posterior leg and anterior hand involvement. Also called: WILLIAMS DISTAL MYOPATHY. Identifiers: Orphanet 63273, MedGen C3279722, MONDO:0013550, OMIM 614065.
Hypertrophic cardiomyopathy 26. Also called: Cardiomyopathy, familial hypertrophic, 26. Identifiers: Orphanet 75249, MedGen C4310749, MONDO:0014883, OMIM 617047.
Cardiovascular phenotype. Identifiers: MedGen CN230736.

Submissions (2):

Labcorp Genetics (formerly Invitae), Labcorp
Classification: Uncertain significance for Distal myopathy with posterior leg and anterior hand involvement; Myofibrillar myopathy 5; Hypertrophic cardiomyopathy 26. Last evaluated: 2025-09-15. Review status: criteria provided, single submitter. Criteria: Invitae Variant Classification Sherloc (09022015). Collection method: clinical testing. Allele origin: germline.
Comment: This sequence change replaces threonine, which is neutral and polar, with isoleucine, which is neutral and non-polar, at codon 583 of the FLNC protein (p.Thr583Ile). This variant is not present in population databases (gnomAD no frequency). This variant has not been reported in the literature in individuals affected with FLNC-related conditions. ClinVar contains an entry for this variant (Variation ID: 1490146). Invitae Evidence Modeling of protein sequence and biophysical properties (such as structural, functional, and spatial information, amino acid conservation, physicochemical variation, residue mobility, and thermodynamic stability) has been performed for this missense variant. However, the output from this modeling did not meet the statistical confidence thresholds required to predict the impact of this variant on FLNC protein function. In summary, the available evidence is currently insufficient to determine the role of this variant in disease. Therefore, it has been classified as a Variant of Uncertain Significance.

Ambry Genetics
Classification: Uncertain significance for Cardiovascular phenotype. Last evaluated: 2019-11-01. Review status: criteria provided, single submitter. Criteria: Ambry Variant Classification Scheme 2023. Collection method: clinical testing. Allele origin: germline.
Comment: The p.T583I variant (also known as c.1748C>T), located in coding exon 11 of the FLNC gene, results from a C to T substitution at nucleotide position 1748. The threonine at codon 583 is replaced by isoleucine, an amino acid with similar properties. This amino acid position is well conserved in available vertebrate species. In addition, the in silico prediction for this alteration is inconclusive. Since supporting evidence is limited at this time, the clinical significance of this alteration remains unclear.